The following is an entry in ClinVar:

ClinVar aggregate classification (germline): Likely benign (1 of 4 stars; one submission).

Allele frequency attached by ClinVar (database versions not stated): gnomAD 0.00015; 1000 Genomes Project 30x 0.00016; 1000 Genomes Project 0.00020; ESP Exome Variant Server 0.00023.
gnomAD v4.1: 261 of 1,612,902 alleles (0.016%); highest among the groups gnomAD compares: Middle Eastern, 0.25%; no homozygotes.

Submission:

CeGaT Center for Human Genetics Tuebingen
Classification: Likely benign. Last evaluated: 2024-01-01. Review status: criteria provided, single submitter. Criteria: CeGaT Center For Human Genetics Tuebingen Variant Classification Criteria Version 2. Collection method: clinical testing. Allele origin: germline. Affected: yes. Observed: 1 variant allele.
Comment: ZC3H3: BP4, BP7

NM_015117.3(ZC3H3):c.243G>T (p.Pro81=)

Gene: ZC3H3 (zinc finger CCCH-type containing 3; minus strand). Cytogenetic location: 8q24.3.
Variant type: single nucleotide variant.
Coding change: c.243G>T on transcript NM_015117.3 (MANE Select); coding-DNA position 243, G replaced by T.
Protein change: p.Pro81=; no amino-acid change (proline 81 retained).
Molecular consequence: synonymous variant.
Genome position (GRCh38, 1-based): chr8:143,539,124, C>A on the plus strand (G>T on the coding strand, the complement: ZC3H3 is on the minus strand). VCF-style: chr8-143539124-C-A. GRCh37 (hg19) VCF-style: chr8-144621294-C-A.
Identifiers: ClinVar variation 3025140 (VCV003025140.22), dbSNP rs146214248, ClinGen allele CA4910917.